The following is an entry in ClinVar:

NM_006005.3(WFS1):c.*700C>A

Gene: WFS1 (wolframin ER transmembrane glycoprotein; plus strand). Cytogenetic location: 4p16.1.
Variant type: single nucleotide variant.
Coding change: c.*700C>A on transcript NM_006005.3 (MANE Select); 700 bases downstream of the stop codon, C replaced by A.
Molecular consequence: 3 prime UTR variant.
Genome position (GRCh38, 1-based): chr4:6,303,168, C>A. VCF-style: chr4-6303168-C-A. GRCh37 (hg19) VCF-style: chr4-6304895-C-A.
Other names: c.*700C>A (NM_001145853.1).
Identifiers: ClinVar variation 349360 (VCV000349360.6), dbSNP rs528424908, ClinGen allele CA10621462.

ClinVar aggregate classification (germline): Conflicting classifications of pathogenicity. Review status: criteria provided, conflicting classifications (1 of 4 stars). 3 submissions from 2 submitters: Uncertain significance (2); Benign (1). Last evaluated 2018-01-13.

Conditions:
Wolfram syndrome 1 (WFS1). Identifiers: Orphanet 3463, MedGen C4551693, MONDO:0009101, OMIM 222300.
WFS1-Related Spectrum Disorders.
Autosomal dominant nonsyndromic hearing loss 6 (LFSNHL). Also called: DEAFNESS, AUTOSOMAL DOMINANT 6; DEAFNESS, AUTOSOMAL DOMINANT 14; DEAFNESS, AUTOSOMAL DOMINANT 38; Autosomal dominant nonsyndromic deafness 6; DIDMOAD (Diabetes Insipidus, Diabetes Mellitus, Optic Atrophy, and Deafness). Identifiers: Orphanet 90635, MedGen C1833021, MONDO:0010963, OMIM 600965.

Allele frequency attached by ClinVar (database versions not stated): gnomAD 0.00003 and 0.00004; TOPMed 0.00003; 1000 Genomes Project 30x 0.00016; 1000 Genomes Project 0.00020.

Submissions (3):

Illumina Laboratory Services, Illumina
Classification: Uncertain significance for WFS1-Related Spectrum Disorders. Last evaluated: 2018-01-13. Review status: criteria provided, single submitter. Criteria: ICSL Variant Classification Criteria 13 December 2019. Collection method: clinical testing. Allele origin: germline.

Illumina Laboratory Services, Illumina
Classification: Uncertain significance for Autosomal dominant nonsyndromic hearing loss 6. Last evaluated: 2018-01-13. Review status: criteria provided, single submitter. Criteria: ICSL Variant Classification Criteria 13 December 2019. Collection method: clinical testing. Allele origin: germline.

Clinical Genomics, Uppaluri K&H Personalized Medicine Clinic
Classification: Benign for Wolfram syndrome 1. Review status: criteria provided, single submitter. Criteria: K & H Uppaluri Personalized Medicine Clinic Variant Classification & Assertion Criteria_Updated V.1. Collection method: research. Allele origin: unknown. Inheritance: Autosomal recessive inheritance.
Comment: Potent mutations in WFS1 gene are associated with Wolfram's syndrome, an autosomal recessive condition, which cause diabetes mellitus, diabetes insipidus, deafness and optic atrophy.However no sufficient evidence is found to ascertain the role of this particular variant rs528424908 in Wolfram's syndrome yet.

Literature cited by the submitters: PubMed 20738327 (cited by Clinical Genomics, Uppaluri K&H Personalized Medicine Clinic); PubMed 33879153 (cited by Clinical Genomics, Uppaluri K&H Personalized Medicine Clinic); PubMed 12955714 (cited by Clinical Genomics, Uppaluri K&H Personalized Medicine Clinic); PubMed 18060660 (cited by Clinical Genomics, Uppaluri K&H Personalized Medicine Clinic); PubMed 20301750 (cited by Clinical Genomics, Uppaluri K&H Personalized Medicine Clinic); PubMed 17603484 (cited by Clinical Genomics, Uppaluri K&H Personalized Medicine Clinic).